The following is an entry in ClinVar:

ClinVar aggregate classification (germline): Pathogenic (1 of 4 stars; one submission).

Conditions:
Oculofaciocardiodental syndrome (MCOPS2). Identifiers: Orphanet 2712, MedGen C1846265, MONDO:0010261, OMIM 300166.

Submission:

Labcorp Genetics (formerly Invitae), Labcorp
Classification: Pathogenic for Oculofaciocardiodental syndrome. Last evaluated: 2025-06-04. Review status: criteria provided, single submitter. Criteria: Invitae Variant Classification Sherloc (09022015). Collection method: clinical testing. Allele origin: germline.
Comment: This sequence change creates a premature translational stop signal (p.Pro512delins6*) in the BCOR gene. It is expected to result in an absent or disrupted protein product. Loss-of-function variants in BCOR are known to be pathogenic (PMID: 15004558, 19367324). This variant is not present in population databases (gnomAD no frequency). This variant has not been reported in the literature in individuals affected with BCOR-related conditions. For these reasons, this variant has been classified as Pathogenic.

Literature cited by the submitters: PubMed 15004558; PubMed 19367324.

NM_001123385.2(BCOR):c.1473_1533dup (p.Pro512delinsLysTrpLeuCysTyrLeuTer)

Genes: BCOR (BCL6 corepressor; minus strand), LOC126863239 (MED14-independent group 3 enhancer GRCh37_chrX:39932994-39934193; plus strand). Cytogenetic location: Xp11.4.
Variant type: Duplication.
Coding change: c.1473_1533dup on transcript NM_001123385.2 (MANE Select); coding-DNA positions 1473 to 1533, 61 bases duplicated.
Protein change: p.Pro512delinsLysTrpLeuCysTyrLeuTer.
Molecular consequence: nonsense.
Genome position (GRCh38, 1-based): chrX:40,073,813-40,073,873, 61 bases duplicated. GRCh37 (hg19): chrX:39,933,067-39,933,127.
Other names: c.1473_1533dup, p.Pro512delinsLysTrpLeuCysTyrLeuTer (NM_001123383.2, NM_001123384.2, NM_001437510.1 and 4 more transcripts).
Identifiers: ClinVar variation 4720817 (VCV004720817.1).